The following is an entry in ClinVar:

NM_002691.4(POLD1):c.3121-2A>C

Gene: POLD1 (DNA polymerase delta 1, catalytic subunit; plus strand). Cytogenetic location: 19q13.33.
Variant type: single nucleotide variant.
Coding change: c.3121-2A>C on transcript NM_002691.4 (MANE Select); the canonical splice acceptor site of the intron before coding-DNA position 3121, A replaced by C.
Molecular consequence: splice acceptor variant.
Genome position (GRCh38, 1-based): chr19:50,417,170, A>C. VCF-style: chr19-50417170-A-C. GRCh37 (hg19) VCF-style: chr19-50920427-A-C.
Other names: c.3121-2A>C (NM_001256849.1); c.3199-2A>C (NM_001308632.1).
Identifiers: ClinVar variation 2974160 (VCV002974160.3), dbSNP rs1568641547, ClinGen allele CA406987228.

ClinVar aggregate classification (germline): Uncertain significance (1 of 4 stars; one submission).

Conditions:
POLD1-related polyposis and colorectal cancer syndrome (CRCS10). Also called: Colorectal cancer 10; COLORECTAL CANCER, SUSCEPTIBILITY TO, ON CHROMOSOME 19q; Colorectal cancer, susceptibility to, 10. Identifiers: Orphanet 220460, MedGen C2675481, MONDO:0012953, OMIM 612591.

Allele frequency attached by ClinVar (database versions not stated): gnomAD exomes below 0.00001.
gnomAD v4.1: 1 of 1,601,332 alleles (0.000062%); highest among the groups gnomAD compares: Non-Finnish European, 0.000085%; no homozygotes.

Submission:

Labcorp Genetics (formerly Invitae), Labcorp
Classification: Uncertain significance for POLD1-related polyposis and colorectal cancer syndrome. Last evaluated: 2022-11-17. Review status: criteria provided, single submitter. Criteria: Invitae Variant Classification Sherloc (09022015). Collection method: clinical testing. Allele origin: germline.
Comment: This sequence change affects an acceptor splice site in intron 25 of the POLD1 gene. RNA analysis indicates that disruption of this splice site induces altered splicing and likely disrupts the C-terminus of the protein. Missense variants that disrupt the 3'-5' exonuclease (proof-reading) activity of the POLD1 protein are associated with PPAP (polymerase proofreading–associated polyposis) (PMID: 23263490, 23447401). However, loss-of-function variants that result in an absent or severely disrupted POLD1 protein, and missense variants outside the exonuclease domain, are unlikely to be associated with PPAP. In summary, the available evidence is currently insufficient to determine the role of this variant in disease. Therefore, it has been classified as a Variant of Uncertain Significance. Studies have shown that disruption of this splice site results in skipping of exon 26 and introduces a new termination codon (Invitae). However the mRNA is not expected to undergo nonsense-mediated decay. This variant has not been reported in the literature in individuals affected with POLD1-related conditions. This variant is not present in population databases (gnomAD no frequency).

Literature cited by the submitters: PubMed 23263490; PubMed 23447401.